The following is an entry in ClinVar:

ClinVar aggregate classification (germline): Pathogenic (1 of 4 stars; one submission).

Submission:

Labcorp Genetics (formerly Invitae), Labcorp
Classification: Pathogenic. Last evaluated: 2022-02-07. Review status: criteria provided, single submitter. Criteria: Invitae Variant Classification Sherloc (09022015). Collection method: clinical testing. Allele origin: germline.
Comment: This variant results in a copy number gain of the genomic region encompassing exon(s) 12 of the PHEX gene. While the exact position of this variant cannot be determined from the data, sub-genic copy number gains are generally in tandem (PMID: 25640679). This variant is predicted to be in-frame, and likely preserves the integrity of the reading frame. A similar copy number variant has been observed in individual(s) with hypophosphatemia (PMID: 30682568; Invitae). It has also been observed to segregate with disease in related individuals. Experimental studies and prediction algorithms are not available or were not evaluated, and the functional significance of this variant is currently unknown. For these reasons, this variant has been classified as Pathogenic.

Literature cited by the submitters: PubMed 25640679; PubMed 30682568.

NC_000023.10:g.(?_22151640)_(22151741_?)dup

Gene: PHEX (phosphate regulating endopeptidase X-linked; plus strand). Cytogenetic location: Xp22.11.
Variant type: Duplication.
Identifiers: ClinVar variation 1003074 (VCV001003074.2).